The following is an entry in ClinVar:

ClinVar aggregate classification (germline): Uncertain significance. Review status: criteria provided, multiple submitters, no conflicts (2 of 4 stars). 2 submissions from 2 submitters: Uncertain significance (2). Last evaluated 2024-04-01.

Conditions:
Hereditary cancer-predisposing syndrome. Also called: Neoplastic Syndromes, Hereditary; Tumor predisposition; Hereditary neoplastic syndrome; Hereditary Cancer Syndrome. Identifiers: Orphanet 140162, MedGen C0027672, MeSH D009386, MONDO:0015356.
Hereditary nonpolyposis colorectal neoplasms. Identifiers: MedGen C0009405, MeSH D003123.

Allele frequency attached by ClinVar (database versions not stated): gnomAD exomes below 0.00001.

Submissions (2):

Ambry Genetics
Classification: Uncertain significance for Hereditary cancer-predisposing syndrome. Last evaluated: 2024-04-01. Review status: criteria provided, single submitter. Criteria: Ambry Variant Classification Scheme 2023. Collection method: clinical testing. Allele origin: germline.
Comment: The p.C687F variant (also known as c.2060G>T), located in coding exon 4 of the MSH6 gene, results from a G to T substitution at nucleotide position 2060. The cysteine at codon 687 is replaced by phenylalanine, an amino acid with highly dissimilar properties. This amino acid position is conserved. In addition, this alteration is predicted to be deleterious by in silico analysis. Based on the available evidence, the clinical significance of this alteration remains unclear.

Labcorp Genetics (formerly Invitae), Labcorp
Classification: Uncertain significance for Hereditary nonpolyposis colorectal neoplasms. Last evaluated: 2021-05-27. Review status: criteria provided, single submitter. Criteria: Invitae Variant Classification Sherloc (09022015). Collection method: clinical testing. Allele origin: germline.
Comment: In summary, the available evidence is currently insufficient to determine the role of this variant in disease. Therefore, it has been classified as a Variant of Uncertain Significance. Algorithms developed to predict the effect of missense changes on protein structure and function are either unavailable or do not agree on the potential impact of this missense change (SIFT: "Tolerated"; PolyPhen-2: "Possibly Damaging"; Align-GVGD: "Class C0"). This variant has not been reported in the literature in individuals with MSH6-related conditions. This variant is not present in population databases (ExAC no frequency). This sequence change replaces cysteine with phenylalanine at codon 687 of the MSH6 protein (p.Cys687Phe). The cysteine residue is moderately conserved and there is a large physicochemical difference between cysteine and phenylalanine.

NM_000179.3(MSH6):c.2060G>T (p.Cys687Phe)

Gene: MSH6 (mutS homolog 6; plus strand). Cytogenetic location: 2p16.3.
Variant type: single nucleotide variant.
Coding change: c.2060G>T on transcript NM_000179.3 (MANE Select); coding-DNA position 2060, G replaced by T.
Protein change: p.Cys687Phe; replaces cysteine 687 with phenylalanine.
Molecular consequence: missense variant.
Genome position (GRCh38, 1-based): chr2:47,800,043, G>T. VCF-style: chr2-47800043-G-T. GRCh37 (hg19) VCF-style: chr2-48027182-G-T.
Other names: c.2060G>T (NM_000179.2); c.1670G>T, p.Cys557Phe (NM_001281492.2); c.1154G>T, p.Cys385Phe (NM_001281493.2, NM_001281494.2); short protein forms C557F, C687F, C385F.
Identifiers: ClinVar variation 1356583 (VCV001356583.9), dbSNP rs1553413433, ClinGen allele CA346750774.